The following is an entry in ClinVar:

ClinVar aggregate classification (germline): Pathogenic/Likely pathogenic. Review status: criteria provided, multiple submitters, no conflicts (2 of 4 stars). 2 submissions from 2 submitters: Pathogenic (1); Likely pathogenic (1). Last evaluated 2025-10-29.

Conditions:
Nemaline myopathy 2 (NEM2). Also called: Nemaline myopathy 2, autosomal recessive. Identifiers: MedGen C1850569, MONDO:0009725, OMIM 256030.
Arthrogryposis multiplex congenita 6. Identifiers: MedGen C5543431, MONDO:0030281, OMIM 619334.

Submissions (2):

Labcorp Genetics (formerly Invitae), Labcorp
Classification: Pathogenic for Nemaline myopathy 2. Last evaluated: 2025-10-29. Review status: criteria provided, single submitter. Criteria: Invitae Variant Classification Sherloc (09022015). Collection method: clinical testing. Allele origin: germline.
Comment: This sequence change creates a premature translational stop signal (p.Tyr3353*) in the NEB gene. It is expected to result in an absent or disrupted protein product. Loss-of-function variants in NEB are known to be pathogenic (PMID: 25205138). This variant is not present in population databases (gnomAD no frequency). This variant has not been reported in the literature in individuals affected with NEB-related conditions. ClinVar contains an entry for this variant (Variation ID: 2677111). For these reasons, this variant has been classified as Pathogenic.

Baylor Genetics
Classification: Likely pathogenic for Arthrogryposis multiplex congenita 6. Last evaluated: 2023-04-11. Review status: criteria provided, single submitter. Criteria: ACMG Guidelines, 2015. Collection method: clinical testing. Allele origin: unknown.

Literature cited by the submitters: PubMed 25205138 (cited by Labcorp Genetics (formerly Invitae), Labcorp).

NM_001164508.2(NEB):c.10059C>A (p.Tyr3353Ter)

Gene: NEB (nebulin; minus strand). Cytogenetic location: 2q23.3.
Variant type: single nucleotide variant.
Coding change: c.10059C>A on transcript NM_001164508.2 (MANE Select); coding-DNA position 10059, C replaced by A.
Protein change: p.Tyr3353Ter; replaces tyrosine 3353 with a stop codon.
Molecular consequence: nonsense.
Genome position (GRCh38, 1-based): chr2:151,627,607, G>T on the plus strand (C>A on the coding strand, the complement: NEB is on the minus strand). VCF-style: chr2-151627607-G-T. GRCh37 (hg19) VCF-style: chr2-152484121-G-T.
Other names: c.10059C>A, p.Tyr3353Ter (NM_001164507.2, NM_001271208.2); c.9330C>A, p.Tyr3110Ter (NM_004543.5); short protein forms Y3110*, Y3353*.
Identifiers: ClinVar variation 2677111 (VCV002677111.2), dbSNP rs768102065, ClinGen allele CA348794730.